The following is an entry in ClinVar:

NC_000012.11:g.(?_108956399)_(108962692_?)dup

Gene: ISCU (iron-sulfur cluster assembly enzyme; plus strand). Cytogenetic location: 12q23.3.
Variant type: Duplication.
Identifiers: ClinVar variation 2427784 (VCV002427784.3).

ClinVar aggregate classification (germline): Uncertain significance (1 of 4 stars; one submission).

Submission:

Labcorp Genetics (formerly Invitae), Labcorp
Classification: Uncertain significance. Last evaluated: 2022-07-05. Review status: criteria provided, single submitter. Criteria: Invitae Variant Classification Sherloc (09022015). Collection method: clinical testing. Allele origin: germline.
Comment: A copy number gain of the genomic region encompassing the full coding sequence of the ISCU gene has been identified. The boundaries of this event are unknown as they extend beyond the assayed region for this gene and therefore may encompass additional genes. As the precise location of this event is unknown, it may be in tandem or it may be located elsewhere in the genome. This variant has not been reported in the literature in individuals affected with ISCU-related conditions. In summary, the available evidence is currently insufficient to determine the role of this variant in disease. Therefore, it has been classified as a Variant of Uncertain Significance.